The following is an entry in ClinVar:

ClinVar aggregate classification (germline): Uncertain significance. Review status: criteria provided, multiple submitters, no conflicts (2 of 4 stars). 2 submissions from 2 submitters: Uncertain significance (2). Last evaluated 2022-06-14.

Conditions:
T-B+ severe combined immunodeficiency due to JAK3 deficiency. Also called: SCID, T CELL-NEGATIVE, B CELL-POSITIVE, NK CELL-NEGATIVE; SCID, autosomal recessive, T-negative/B-positive type. Identifiers: Orphanet 35078, MedGen C1833275, MONDO:0010938, OMIM 600802.

Allele frequency attached by ClinVar (database versions not stated): gnomAD 0.00004; gnomAD exomes 0.00005 and 0.00008; TOPMed 0.00008; ExAC 0.00009; ESP Exome Variant Server 0.00015.
gnomAD v4.1: 76 of 1,614,134 alleles (0.0047%); highest among the groups gnomAD compares: Non-Finnish European, 0.0062%; no homozygotes.

Submissions (2):

Labcorp Genetics (formerly Invitae), Labcorp
Classification: Uncertain significance for T-B+ severe combined immunodeficiency due to JAK3 deficiency. Last evaluated: 2022-06-14. Review status: criteria provided, single submitter. Criteria: Invitae Variant Classification Sherloc (09022015). Collection method: clinical testing. Allele origin: germline.
Comment: This sequence change replaces alanine, which is neutral and non-polar, with valine, which is neutral and non-polar, at codon 877 of the JAK3 protein (p.Ala877Val). This variant is present in population databases (rs201869359, gnomAD 0.02%). This variant has not been reported in the literature in individuals affected with JAK3-related conditions. ClinVar contains an entry for this variant (Variation ID: 889681). Advanced modeling of protein sequence and biophysical properties (such as structural, functional, and spatial information, amino acid conservation, physicochemical variation, residue mobility, and thermodynamic stability) performed at Invitae indicates that this missense variant is not expected to disrupt JAK3 protein function. Algorithms developed to predict the effect of sequence changes on RNA splicing suggest that this variant may create or strengthen a splice site. In summary, the available evidence is currently insufficient to determine the role of this variant in disease. Therefore, it has been classified as a Variant of Uncertain Significance.

Illumina Laboratory Services, Illumina
Classification: Uncertain significance for T-B+ severe combined immunodeficiency due to JAK3 deficiency. Last evaluated: 2018-01-12. Review status: criteria provided, single submitter. Criteria: ICSL Variant Classification Criteria 13 December 2019. Collection method: clinical testing. Allele origin: germline.

NM_000215.4(JAK3):c.2630C>T (p.Ala877Val)

Gene: JAK3 (Janus kinase 3; minus strand). Cytogenetic location: 19p13.11.
Variant type: single nucleotide variant.
Coding change: c.2630C>T on transcript NM_000215.4 (MANE Select); coding-DNA position 2630, C replaced by T.
Protein change: p.Ala877Val; replaces alanine 877 with valine.
Molecular consequence: missense variant.
Genome position (GRCh38, 1-based): chr19:17,832,569, G>A on the plus strand (C>T on the coding strand, the complement: JAK3 is on the minus strand). VCF-style: chr19-17832569-G-A. GRCh37 (hg19) VCF-style: chr19-17943378-G-A.
Other names: short protein forms A877V.
Identifiers: ClinVar variation 889681 (VCV000889681.10), dbSNP rs201869359, ClinGen allele CA9301565.